The following is an entry in ClinVar:

NM_001164277.2(SLC37A4):c.1124+3_1124+6del

Gene: SLC37A4 (solute carrier family 37 member 4; minus strand). Cytogenetic location: 11q23.3.
Variant type: Deletion.
Coding change: c.1124+3_1124+6del on transcript NM_001164277.2 (MANE Select); bases 3 to 6 of the intron after coding-DNA position 1124, 4 bases deleted (AAGT; older notation c.1124+3_1124+6delAAGT).
Molecular consequence: splice donor variant.
Genome position (GRCh38, 1-based): chr11:119,025,185-119,025,188, ACTT deleted on the plus strand (AAGT on the coding strand, the reverse complement: SLC37A4 is on the minus strand); deleting any 4 consecutive bases within chr11:119,025,185-119,025,190 gives the same sequence; the c. name uses the placement nearest the transcript's 3' end. VCF-style (leftmost placement, unchanged base first): chr11-119025184-CACTT-C. GRCh37 (hg19) VCF-style: chr11-118895894-CACTT-C.
Other names: c.905+3_905+6del (NM_001164279.2); c.1124+3_1124+6del (NM_001467.6, NM_001164280.2); c.1190+3_1190+6del (NM_001164278.2); c.1123+3_1123+6del (NM_001164277.2).
Identifiers: ClinVar variation 1301338 (VCV001301338.10), dbSNP rs782612223, ClinGen allele CA6311627.

ClinVar aggregate classification (germline): Pathogenic/Likely pathogenic. Review status: criteria provided, multiple submitters, no conflicts (2 of 4 stars). 6 submissions from 6 submitters: Pathogenic (2); Likely pathogenic (3). 1 of the submissions does not count toward it. Last evaluated 2026-01-26.

Conditions:
Glucose-6-phosphate transport defect (GSD1B). Also called: Glycogen Storage Disease Type Ib; GSD Ib. Identifiers: Orphanet 364, Orphanet 79259, MedGen C0268146, MONDO:0009288, OMIM 232220.
Phosphate transport defect (GSD1C). Also called: GLYCOGEN STORAGE DISEASE Ic; GSD Ic. Identifiers: Orphanet 364, Orphanet 79259, MedGen C0342749, OMIM 232240.

Submissions (6):

Labcorp Genetics (formerly Invitae), Labcorp
Classification: Likely pathogenic for Glucose-6-phosphate transport defect. Last evaluated: 2026-01-26. Review status: criteria provided, single submitter. Criteria: Invitae Variant Classification Sherloc (09022015). Collection method: clinical testing. Allele origin: germline.
Comment: This sequence change falls in intron 9 of the SLC37A4 gene. It does not directly change the encoded amino acid sequence of the SLC37A4 protein. It affects a nucleotide within the consensus splice site. This variant is present in population databases (rs782612223, gnomAD 0.003%). This variant has been observed in individual(s) with autosomal recessive glycogen storage disease (PMID: 9758626). It has also been observed to segregate with disease in related individuals. This variant is also known as sigma Exon 8/intron 8. ClinVar contains an entry for this variant (Variation ID: 1301338). Variants that disrupt the consensus splice site are a relatively common cause of aberrant splicing (PMID: 17576681, 9536098). Algorithms developed to predict the effect of sequence changes on RNA splicing suggest that this variant may disrupt the consensus splice site. In summary, the currently available evidence indicates that the variant is pathogenic, but additional data are needed to prove that conclusively. Therefore, this variant has been classified as Likely Pathogenic.

Natera, Inc.
Classification: Likely pathogenic for Glycogen storage disease type Ib. Last evaluated: 2025-09-12. Review status: criteria provided, single submitter. Criteria: Natera Variant Classification Schema (03/2026). Collection method: clinical testing. Allele origin: germline.
Comment: The c.1123+3_1123+6delAAGT variant in SLC37A4 is a frameshift variant predicted to shift the reading frame and introduce a stop codon. This variant is rare in the general population with a frequency below the threshold expected for the associated phenotype(s). This variant has been observed in one or more individuals affected with the associated recessive disease, as either homozygous or compound heterozygous with a second variant (PMID: 9758626, 40009380). Additionally, this variant has been observed to segregate in affected family members (PMID: 9758626). This variant has been identified in one or more affected individuals with a phenotype highly consistent with the associated gene (PMID: 40009380). Computational prediction algorithms indicate this variant is likely to affect gene or protein function. Given the available evidence, this variant is classified as Likely Pathogenic.

Baylor Genetics
Classification: Likely pathogenic for Glucose-6-phosphate transport defect. Last evaluated: 2023-06-15. Review status: criteria provided, single submitter. Criteria: ACMG Guidelines, 2015. Collection method: clinical testing. Allele origin: unknown.

Mendelics
Classification: Pathogenic for Glucose-6-phosphate transport defect. Last evaluated: 2022-05-04. Review status: criteria provided, single submitter. Criteria: Mendelics Assertion Criteria 2019. Collection method: clinical testing. Allele origin: germline.

Women's Health and Genetics/Laboratory Corporation of America, LabCorp
Classification: Pathogenic for Glucose-6-phosphate transport defect. Last evaluated: 2021-09-26. Review status: criteria provided, single submitter. Criteria: LabCorp Variant Classification Summary - May 2015. Collection method: clinical testing. Allele origin: germline.
Comment: Variant summary: SLC37A4 c.1123+3_1123+6delAAGT alters a conserved nucleotide located close to a canonical splice site and therefore could affect mRNA splicing, leading to a significantly altered protein sequence. Several computational tools predict a significant impact on normal splicing: Four predict the variant abolishes the canonical 5' splicing donor site. However, these predictions have yet to be confirmed by functional studies. The variant allele was found at a frequency of 8.1e-06 in 247880 control chromosomes. c.1123+3_1123+6delAAGT has been reported in the literature as a homozygous genotype in multiple individuals from consanguineous families affected with Glycogen Storage Disease Type Ib/Ic (example, Veiga-da-Cunha_1998). These data indicate that the variant is very likely to be associated with disease. To our knowledge, no experimental evidence demonstrating an impact on protein function has been reported. However, all reported patients were indicated to have abnormally latent glucose-6-phosphatase activity in intact microsomes. No clinical diagnostic laboratories have submitted clinical-significance assessments for this variant to ClinVar after 2014. Based on the evidence outlined above, the variant was classified as pathogenic.

OMIM
Classification: Pathogenic for GLYCOGEN STORAGE DISEASE Ic. Last evaluated: 1998-10-01. Review status: no assertion criteria provided. Collection method: literature only. Allele origin: germline. Not counted in ClinVar's aggregate classification.

Literature cited by the submitters: PubMed 9758626 (cited by 4 submitters); PubMed 17576681 (cited by Labcorp Genetics (formerly Invitae), Labcorp); PubMed 9536098 (cited by Labcorp Genetics (formerly Invitae), Labcorp); PubMed 40009380 (cited by Natera, Inc.); PubMed 9598717 (cited by OMIM).